The following is an entry in ClinVar:

NM_021098.3(CACNA1H):c.3252C>G (p.Pro1084=)

Gene: CACNA1H (calcium voltage-gated channel subunit alpha1 H; plus strand). Cytogenetic location: 16p13.3.
Variant type: single nucleotide variant.
Coding change: c.3252C>G on transcript NM_021098.3 (MANE Select); coding-DNA position 3252, C replaced by G.
Protein change: p.Pro1084=; no amino-acid change (proline 1084 retained).
Molecular consequence: synonymous variant.
Genome position (GRCh38, 1-based): chr16:1,208,110, C>G. VCF-style: chr16-1208110-C-G. GRCh37 (hg19) VCF-style: chr16-1258110-C-G.
Other names: c.3252C>G, p.Pro1084= (NM_001005407.2).
Identifiers: ClinVar variation 718062 (VCV000718062.9), dbSNP rs377223694, ClinGen allele CA7800696.

ClinVar aggregate classification (germline): Likely benign. Review status: criteria provided, multiple submitters, no conflicts (2 of 4 stars). 2 submissions from 2 submitters: Likely benign (2). Last evaluated 2026-03-07.

Conditions:
CACNA1H-related disorder.
Idiopathic generalized epilepsy. Also called: EIG; Generalised epilepsy. Identifiers: MedGen C0270850, MONDO:0005579, OMIM 600669.
Hyperaldosteronism, familial, type IV (HALD4). Also called: FH IV; ALDOSTERONISM, PRIMARY, AND HYPERTENSION. Identifiers: Orphanet 642671, MedGen C4310756, MONDO:0014875, OMIM 617027.

Allele frequency attached by ClinVar (database versions not stated): ESP Exome Variant Server 0.00008; gnomAD 0.00001; gnomAD exomes 0.00001; ExAC 0.00002; TOPMed 0.00002.
gnomAD v4.1: 24 of 1,594,884 alleles (0.0015%); highest among the groups gnomAD compares: East Asian, 0.0023%; no homozygotes.

Submissions (2):

PreventionGenetics, part of Exact Sciences
Classification: Likely benign for CACNA1H-related condition. Last evaluated: 2026-03-07. Review status: criteria provided, single submitter. Criteria: ACMG Guidelines, 2015. Collection method: clinical testing. Allele origin: germline.
Comment: This variant is classified as likely benign based on ACMG/AMP sequence variant interpretation guidelines (Richards et al. 2015 PMID: 25741868, with internal and published modifications).

Labcorp Genetics (formerly Invitae), Labcorp
Classification: Likely benign for Idiopathic generalized epilepsy; Hyperaldosteronism, familial, type IV. Last evaluated: 2018-05-19. Review status: criteria provided, single submitter. Criteria: Invitae Variant Classification Sherloc (09022015). Collection method: clinical testing. Allele origin: germline.